The following is an entry in ClinVar:

ClinVar aggregate classification (germline): Conflicting classifications of pathogenicity. Review status: criteria provided, conflicting classifications (1 of 4 stars). 5 submissions from 4 submitters: Uncertain significance (1); Benign (1); Likely benign (3). Last evaluated 2025-08-03.

Conditions:
Retinitis pigmentosa (RP). Identifiers: Orphanet 791, MedGen C0035334, MeSH D012174, MONDO:0019200, OMIM 268000. Inheritance: Autosomal dominant, autosomal recessive and X linked inheritance.
Congenital stationary night blindness autosomal dominant 1. Also called: NIGHT BLINDNESS, CONGENITAL STATIONARY, RHODOPSIN-RELATED. Identifiers: Orphanet 215, MedGen C1864869, MONDO:0012498, OMIM 610445.

Allele frequency attached by ClinVar (database versions not stated): gnomAD 0.00009 and 0.00010; TOPMed 0.00009; ESP Exome Variant Server 0.00023.
gnomAD v4.1: 216 of 1,614,054 alleles (0.013%); highest among the groups gnomAD compares: Non-Finnish European, 0.018%; no homozygotes.

Submissions (5):

Labcorp Genetics (formerly Invitae), Labcorp
Classification: Likely benign. Last evaluated: 2025-08-03. Review status: criteria provided, single submitter. Criteria: Invitae Variant Classification Sherloc (09022015). Collection method: clinical testing. Allele origin: germline.

Blueprint Genetics
Classification: Likely benign. Last evaluated: 2024-06-05. Review status: criteria provided, single submitter. Criteria: ACMG Guidelines, 2015. Collection method: clinical testing. Allele origin: germline.

CeGaT Center for Human Genetics Tuebingen
Classification: Likely benign. Last evaluated: 2021-01-01. Review status: criteria provided, single submitter. Criteria: CeGaT Center For Human Genetics Tuebingen Variant Classification Criteria Version 2. Collection method: clinical testing. Allele origin: germline. Affected: yes. Observed: 1 variant allele.

Illumina Laboratory Services, Illumina
Classification: Uncertain significance for Retinitis pigmentosa. Last evaluated: 2018-03-30. Review status: criteria provided, single submitter. Criteria: ICSL Variant Classification Criteria 13 December 2019. Collection method: clinical testing. Allele origin: germline.

Illumina Laboratory Services, Illumina
Classification: Benign for Congenital stationary night blindness autosomal dominant 1. Last evaluated: 2018-03-26. Review status: criteria provided, single submitter. Criteria: ICSL Variant Classification Criteria 13 December 2019. Collection method: clinical testing. Allele origin: germline.
Comment: This variant was observed in the ICSL laboratory as part of a predisposition screen in an ostensibly healthy population. It had not been previously curated by ICSL or reported in the Human Gene Mutation Database (HGMD: prior to June 1st, 2018), and was therefore a candidate for classification through an automated scoring system. Utilizing variant allele frequency, disease prevalence and penetrance estimates, and inheritance mode, an automated score was calculated to assess if this variant is too frequent to cause the disease. Based on the score and internal cut-off values, a variant classified as benign is not then subjected to further curation. The score for this variant resulted in a classification of benign for this disease.

NM_000539.3(RHO):c.744G>A (p.Lys248=)

Gene: RHO (rhodopsin; plus strand). Cytogenetic location: 3q22.1.
Variant type: single nucleotide variant.
Coding change: c.744G>A on transcript NM_000539.3 (MANE Select); coding-DNA position 744, G replaced by A.
Protein change: p.Lys248=; no amino-acid change (lysine 248 retained).
Molecular consequence: synonymous variant.
Genome position (GRCh38, 1-based): chr3:129,532,580, G>A. VCF-style: chr3-129532580-G-A. GRCh37 (hg19) VCF-style: chr3-129251423-G-A.
Identifiers: ClinVar variation 900512 (VCV000900512.50), dbSNP rs141185480, ClinGen allele CA2607278.
Genomic context (GRCh38, chr3:129,532,580, plus strand): 5'-CCGTGTCCTGCAGGCCGCTGCCCAGCAGCAGGAGTCAGCCACCACACAGAAGGCAGAGAA[G>A]GAGGTCACCCGCATGGTCATCATCATGGTCATCGCTTTCCTGATCTGCTGGGTGCCCTAC-3'
Protein context (NP_000530.1, residues 238-258): QESATTQKAE[Lys248=]EVTRMVIIMV